The following is an entry in ClinVar:

NM_000092.5(COL4A4):c.4781_4807dup (p.Ser1594_Leu1602dup)

Gene: COL4A4 (collagen type IV alpha 4 chain; minus strand). Cytogenetic location: 2q36.3.
Variant type: Duplication.
Coding change: c.4781_4807dup on transcript NM_000092.5 (MANE Select); coding-DNA positions 4781 to 4807, 27 bases duplicated (GCCTCTGGATCGGGTATTCATTCCTGA).
Protein change: p.Ser1594_Leu1602dup.
Molecular consequence: inframe insertion.
Genome position (GRCh38, 1-based): chr2:227,008,020-227,008,046, TCAGGAATGAATACCCGATCCAGAGGC duplicated on the plus strand (GCCTCTGGATCGGGTATTCATTCCTGA on the coding strand, the reverse complement: COL4A4 is on the minus strand); duplicating any 27 consecutive bases within chr2:227,008,020-227,008,048 gives the same sequence; the c. name uses the placement nearest the transcript's 3' end. VCF-style (leftmost placement, unchanged base first): chr2-227008019-A-ATCAGGAATGAATACCCGATCCAGAGGC. GRCh37 (hg19) VCF-style: chr2-227872735-A-ATCAGGAATGAATACCCGATCCAGAGGC.
Identifiers: ClinVar variation 1484010 (VCV001484010.42), dbSNP rs2149719615, ClinGen allele CA431672049.

ClinVar aggregate classification (germline): Conflicting classifications of pathogenicity. Review status: criteria provided, conflicting classifications (1 of 4 stars). 6 submissions from 6 submitters: Likely pathogenic (5); Uncertain significance (1). Last evaluated 2026-05-08.

Conditions:
Hematuria, benign familial, 1 (BFH1). Also called: THIN MEMBRANE NEPHROPATHY. Identifiers: MedGen CN376803, MONDO:0007709, OMIM 141200.
Autosomal recessive Alport syndrome (ATS2). Also called: COL4A3-Related Nephropathy; COL4A4 Alport Syndrome and Thin Basement Membrane Nephropathy; ALPORT SYNDROME 2, AUTOSOMAL RECESSIVE; Alport syndrome type 2. Identifiers: Orphanet 63, Orphanet 88919, MedGen C4746745, MONDO:0008762, OMIM 203780.
Benign familial hematuria. Also called: thin basement membrane disease. Identifiers: MedGen C0241908, MONDO:0957317.

Submissions (6):

Institute of Medical Genetics and Applied Genomics, University Hospital Tübingen
Classification: Likely pathogenic for Hematuria, benign familial, 1. Last evaluated: 2026-05-08. Review status: criteria provided, single submitter. Criteria: ACMG Guidelines, 2015. Collection method: clinical testing. Allele origin: germline. Inheritance: Autosomal dominant inheritance. Affected: yes.

CeGaT Center for Human Genetics Tuebingen
Classification: Likely pathogenic. Last evaluated: 2026-01-01. Review status: criteria provided, single submitter. Criteria: CeGaT Center For Human Genetics Tuebingen Variant Classification Criteria Version 2. Collection method: clinical testing. Allele origin: germline. Affected: yes. Observed: 2 variant alleles.
Comment: COL4A4: PM3:Strong, PM2, PM4, PP4

Variantyx, Inc.
Classification: Likely pathogenic for Autosomal recessive Alport syndrome. Last evaluated: 2025-09-23. Review status: criteria provided, single submitter. Criteria: Variantyx Assertion Criteria 2022. Collection method: clinical testing. Allele origin: germline. Inheritance: Semidominant inheritance. Affected: yes.
Comment: This is an in-frame duplication variant in the COL4A4 gene (OMIM: 120131). Pathogenic variants in this gene have been associated with autosomal recessive COL4A4-related Alport spectrum. The alteration causes an in-frame insertion of 9 amino acids following the duplicated residues 1594-1602 of the COL4A4 protein (PM4), and it has not been reported in affected heterozygous individuals in the published literature, however, it has been identified in the compound heterozygous state in at least one individual affected by features of syndromic Alport disorder (PMID: 24052634) (PM3). This variant lies within a well-established critical functional domain of the COL4A4 protein (PMD: 17082192, 18219669, 28845540) (PM1). It has a 0.0019% maximum allele frequency in non-founder control populations (PM2). Based on the current evidence, this variant is classified as likely pathogenic for autosomal recessive COL4A4-related Alport spectrum. There have been reports of affected individuals with digenic inheritance of variants in the COL4A4 gene with variants in the COL4A3 and COL4A5 genes (PMID: 25575550, 27859054, 35675912, 38357258) as well as trigenic inheritance (PMID: 38547857).

Fulgent Genetics
Classification: Likely pathogenic for Hematuria, benign familial, 1; Autosomal recessive Alport syndrome. Last evaluated: 2024-05-02. Review status: criteria provided, single submitter. Criteria: ACMG Guidelines, 2015. Collection method: clinical testing. Allele origin: germline.

Labcorp Genetics (formerly Invitae), Labcorp
Classification: Likely pathogenic. Last evaluated: 2023-11-13. Review status: criteria provided, single submitter. Criteria: Invitae Variant Classification Sherloc (09022015). Collection method: clinical testing. Allele origin: germline.
Comment: This variant, c.4781_4807dup, results in the insertion of 9 amino acid(s) of the COL4A4 protein (p.Ser1594_Leu1602dup), but otherwise preserves the integrity of the reading frame. This variant is not present in population databases (gnomAD no frequency). This variant has been observed in individual(s) with clinical features of Alport syndrome (PMID: 24052634; Invitae). In at least one individual the data is consistent with being in trans (on the opposite chromosome) from a pathogenic variant. It has also been observed to segregate with disease in related individuals. ClinVar contains an entry for this variant (Variation ID: 1484010). Experimental studies and prediction algorithms are not available or were not evaluated, and the functional significance of this variant is currently unknown. In summary, the currently available evidence indicates that the variant is pathogenic, but additional data are needed to prove that conclusively. Therefore, this variant has been classified as Likely Pathogenic.

Cambridge Genomics Laboratory, East Genomic Laboratory Hub, NHS Genomic Medicine Service
Classification: Uncertain significance for Benign familial hematuria. Last evaluated: 2019-05-21. Review status: criteria provided, single submitter. Criteria: ACGS Best Practice Guidelines for Variant Classification in Rare Disease 2020. Collection method: clinical testing. Allele origin: germline. Affected: yes. Observed: 1 variant allele.

Literature cited by the submitters: PubMed 24052634 (cited by Variantyx, Inc. and Labcorp Genetics (formerly Invitae), Labcorp); PubMed 17082192 (cited by Variantyx, Inc.); PubMed 18219669 (cited by Variantyx, Inc.); PubMed 28845540 (cited by Variantyx, Inc.); PubMed 25575550 (cited by Variantyx, Inc.); PubMed 27859054 (cited by Variantyx, Inc.); PubMed 35675912 (cited by Variantyx, Inc.); PubMed 38357258 (cited by Variantyx, Inc.); PubMed 38547857 (cited by Variantyx, Inc.).